The following is an entry in ClinVar:

NM_000553.6(WRN):c.2159T>G (p.Leu720Arg)

Gene: WRN (WRN RecQ like helicase; plus strand). Cytogenetic location: 8p12.
Variant type: single nucleotide variant.
Coding change: c.2159T>G on transcript NM_000553.6 (MANE Select); coding-DNA position 2159, T replaced by G.
Protein change: p.Leu720Arg; replaces leucine 720 with arginine.
Molecular consequence: missense variant.
Genome position (GRCh38, 1-based): chr8:31,111,685, T>G. VCF-style: chr8-31111685-T-G. GRCh37 (hg19) VCF-style: chr8-30969201-T-G.
Other names: short protein forms L720R.
Identifiers: ClinVar variation 1514099 (VCV001514099.6), dbSNP rs1801323239, ClinGen allele CA370912617.

ClinVar aggregate classification (germline): Uncertain significance (1 of 4 stars; one submission).

Conditions:
Werner syndrome (WRN). Identifiers: Orphanet 902, MedGen C0043119, MONDO:0010196, OMIM 277700.

Allele frequency attached by ClinVar (database versions not stated): TOPMed 0.00001.
gnomAD v4.1: 1 of 1,614,106 alleles (0.000062%); no homozygotes.

Submission:

Labcorp Genetics (formerly Invitae), Labcorp
Classification: Uncertain significance for Werner syndrome. Last evaluated: 2021-03-02. Review status: criteria provided, single submitter. Criteria: Invitae Variant Classification Sherloc (09022015). Collection method: clinical testing. Allele origin: germline.
Comment: This sequence change replaces leucine with arginine at codon 720 of the WRN protein (p.Leu720Arg). The leucine residue is highly conserved and there is a moderate physicochemical difference between leucine and arginine. In summary, the available evidence is currently insufficient to determine the role of this variant in disease. Therefore, it has been classified as a Variant of Uncertain Significance. Algorithms developed to predict the effect of missense changes on protein structure and function are either unavailable or do not agree on the potential impact of this missense change (SIFT: "Not Available"; PolyPhen-2: "Probably Damaging"; Align-GVGD: "Not Available"). This variant has not been reported in the literature in individuals with WRN-related conditions. This variant is not present in population databases (ExAC no frequency).